The following is an entry in ClinVar:

ClinVar aggregate classification (germline): Uncertain significance. Review status: criteria provided, multiple submitters, no conflicts (2 of 4 stars). 2 submissions from 2 submitters: Uncertain significance (2). Last evaluated 2024-03-29.

Conditions:
Combined oxidative phosphorylation defect type 8. Also called: CARDIOMYOPATHY, HYPERTROPHIC MITOCHONDRIAL, FATAL INFANTILE. Identifiers: Orphanet 319504, MedGen C4518839, MONDO:0013570, OMIM 614096.

Allele frequency attached by ClinVar (database versions not stated): ExAC 0.00001; gnomAD 0.00001; gnomAD exomes 0.00002; TOPMed 0.00004.
gnomAD v4.1: 24 of 1,613,910 alleles (0.0015%); highest among the groups gnomAD compares: Middle Eastern, 0.016%; no homozygotes.

Submissions (2):

Baylor Genetics
Classification: Uncertain significance for Combined oxidative phosphorylation defect type 8. Last evaluated: 2024-03-29. Review status: criteria provided, single submitter. Criteria: ACMG Guidelines, 2015. Collection method: clinical testing. Allele origin: unknown.

GeneDx
Classification: Uncertain significance. Last evaluated: 2015-12-08. Review status: criteria provided, single submitter. Criteria: GeneDx Variant Classification (06012015). Collection method: clinical testing. Allele origin: germline. Affected: yes.
Comment: The R678W variant in the AARS2 gene has not been reported previously as a pathogenic variant, nor as a benign variant, to our knowledge. The R678W variant was not observed in approximately 6,500 individuals of European and African American ancestry in the NHLBI Exome Sequencing Project, indicating it is not a common benign variant in these populations. The R678W variant is a non-conservative amino acid substitution, which is likely to impact secondary protein structure as these residues differ in polarity, charge, size and/or other properties. However, this substitution occurs at a position that is not conserved, and in silico analysis is inconsistent in its predictions as to whether or not the variant is damaging to the protein structure/function. We interpret R678W as a variant of uncertain significance.

NM_020745.4(AARS2):c.2032C>T (p.Arg678Trp)

Gene: AARS2 (alanyl-tRNA synthetase 2, mitochondrial; minus strand). Cytogenetic location: 6p21.1.
Variant type: single nucleotide variant.
Coding change: c.2032C>T on transcript NM_020745.4 (MANE Select); coding-DNA position 2032, C replaced by T.
Protein change: p.Arg678Trp; replaces arginine 678 with tryptophan.
Molecular consequence: missense variant.
Genome position (GRCh38, 1-based): chr6:44,303,399, G>A on the plus strand (C>T on the coding strand, the complement: AARS2 is on the minus strand). VCF-style: chr6-44303399-G-A. GRCh37 (hg19) VCF-style: chr6-44271136-G-A.
Other names: short protein forms R678W.
Identifiers: ClinVar variation 382209 (VCV000382209.3), dbSNP rs751523537, ClinGen allele CA3834119.